The following is an entry in ClinVar:

ClinVar aggregate classification (germline): Uncertain significance (1 of 4 stars; one submission).

Conditions:
Ataxia-telangiectasia syndrome (AT). Also called: Cerebello-oculocutaneous telangiectasia; Immunodeficiency with ataxia telangiectasia; AT, COMPLEMENTATION GROUP C; ATAXIA-TELANGIECTASIA, COMPLEMENTATION GROUP A; ATAXIA-TELANGIECTASIA, FRESNO VARIANT; LOUIS-BAR SYNDROME. Identifiers: Orphanet 100, MedGen C0004135, MONDO:0008840, OMIM 208900.

Submission:

Labcorp Genetics (formerly Invitae), Labcorp
Classification: Uncertain significance for Ataxia-telangiectasia syndrome. Last evaluated: 2021-04-23. Review status: criteria provided, single submitter. Criteria: Invitae Variant Classification Sherloc (09022015). Collection method: clinical testing. Allele origin: germline.
Comment: In summary, the available evidence is currently insufficient to determine the role of this variant in disease. Therefore, it has been classified as a Variant of Uncertain Significance. Advanced modeling of protein sequence and biophysical properties (such as structural, functional, and spatial information, amino acid conservation, physicochemical variation, residue mobility, and thermodynamic stability) performed at Invitae indicates that this missense variant is not expected to disrupt ATM protein function. This sequence change replaces serine with threonine at codon 381 of the ATM protein (p.Ser381Thr). The serine residue is weakly conserved and there is a small physicochemical difference between serine and threonine. This variant is not present in population databases (ExAC no frequency). This variant has not been reported in the literature in individuals with ATM-related conditions.

NM_000051.4(ATM):c.1142G>C (p.Ser381Thr)

Gene: ATM (ATM serine/threonine kinase; plus strand). Cytogenetic location: 11q22.3.
Variant type: single nucleotide variant.
Coding change: c.1142G>C on transcript NM_000051.4 (MANE Select); coding-DNA position 1142, G replaced by C.
Protein change: p.Ser381Thr; replaces serine 381 with threonine.
Molecular consequence: missense variant.
Genome position (GRCh38, 1-based): chr11:108,249,009, G>C. VCF-style: chr11-108249009-G-C. GRCh37 (hg19) VCF-style: chr11-108119736-G-C.
Other names: c.1142G>C, p.Ser381Thr (NM_001351834.2); short protein forms S381T.
Identifiers: ClinVar variation 1500094 (VCV001500094.8), dbSNP rs1462596554, ClinGen allele CA382532469.